The following is an entry in ClinVar:

ClinVar aggregate classification (germline): Uncertain significance (1 of 4 stars; one submission).

gnomAD v4.1: 27 of 1,584,808 alleles (0.0017%); highest among the groups gnomAD compares: East Asian, 0.0023%; no homozygotes.

Submission:

GeneDx
Classification: Uncertain significance. Last evaluated: 2025-03-19. Review status: criteria provided, single submitter. Criteria: GeneDx Variant Classification Process June 2021. Collection method: clinical testing. Allele origin: germline. Affected: yes.
Comment: Not observed at significant frequency in large population cohorts (gnomAD); In silico analysis supports that this missense variant has a deleterious effect on protein structure/function; Has not been previously published as pathogenic or benign to our knowledge

NM_001379180.1(ESRRB):c.1048C>T (p.Arg350Cys)

Gene: ESRRB (estrogen related receptor beta; plus strand). Cytogenetic location: 14q24.3.
Variant type: single nucleotide variant.
Coding change: c.1048C>T on transcript NM_001379180.1 (MANE Select); coding-DNA position 1048, C replaced by T.
Protein change: p.Arg350Cys; replaces arginine 350 with cysteine.
Molecular consequence: missense variant.
Genome position (GRCh38, 1-based): chr14:76,491,644, C>T. VCF-style: chr14-76491644-C-T. GRCh37 (hg19) VCF-style: chr14-76957987-C-T.
Other names: c.1000C>T, p.Arg334Cys (NM_001411038.1); c.985C>T, p.Arg329Cys (NM_004452.4); short protein forms R329C, R334C, R350C.
Identifiers: ClinVar variation 4086773 (VCV004086773.1).
Genomic context (GRCh38, chr14:76,491,644, plus strand): 5'-GAGGAGCACTCCCGCCTCGCGGGGCTGCTGGAGCTCTACCGGGCCATCCTGCAGCTGGTA[C>T]GCAGGTACAAGAAGCTCAAGGTGGAGAAGGAGGAGTTTGTGACGCTCAAGGCCCTGGCCC-3'
Protein context (NP_001366109.1, residues 340-360): ELYRAILQLV[Arg350Cys]RYKKLKVEKE